The following is an entry in ClinVar:

ClinVar aggregate classification (germline): Uncertain significance (1 of 4 stars; one submission).

Conditions:
Capillary malformation-arteriovenous malformation syndrome. Also called: Capillary malformation-arteriovenous malformation. Identifiers: Orphanet 137667, MedGen C1842180, MONDO:0012016.

Submission:

Labcorp Genetics (formerly Invitae), Labcorp
Classification: Uncertain significance for Capillary malformation-arteriovenous malformation syndrome. Last evaluated: 2024-08-15. Review status: criteria provided, single submitter. Criteria: Invitae Variant Classification Sherloc (09022015). Collection method: clinical testing. Allele origin: germline.
Comment: This sequence change replaces asparagine, which is neutral and polar, with lysine, which is basic and polar, at codon 492 of the RASA1 protein (p.Asn492Lys). This variant is not present in population databases (gnomAD no frequency). This variant has not been reported in the literature in individuals affected with RASA1-related conditions. An algorithm developed to predict the effect of missense changes on protein structure and function (PolyPhen-2) suggests that this variant is likely to be tolerated. In summary, the available evidence is currently insufficient to determine the role of this variant in disease. Therefore, it has been classified as a Variant of Uncertain Significance.

NM_002890.3(RASA1):c.1476T>G (p.Asn492Lys)

Genes: CCNH (cyclin H; minus strand), RASA1 (RAS p21 protein activator 1; plus strand). Cytogenetic location: 5q14.3.
Variant type: single nucleotide variant.
Coding change: c.1476T>G on transcript NM_002890.3 (MANE Select); coding-DNA position 1476, T replaced by G.
Protein change: p.Asn492Lys; replaces asparagine 492 with lysine.
Molecular consequence: missense variant. On other transcripts: intron variant (1).
Genome position (GRCh38, 1-based): chr5:87,363,370, T>G. VCF-style: chr5-87363370-T-G. GRCh37 (hg19) VCF-style: chr5-86659187-T-G.
Other names: c.945T>G, p.Asn315Lys (NM_022650.3); c.933+31674A>C (NM_001364075.2); short protein forms N315K, N492K.
Identifiers: ClinVar variation 3662533 (VCV003662533.2).